The following is an entry in ClinVar:

ClinVar aggregate classification (germline): Uncertain significance. Review status: criteria provided, multiple submitters, no conflicts (2 of 4 stars). 20 submissions from 20 submitters: Uncertain significance (17). 3 of the submissions do not count toward it. Last evaluated 2026-08-13.

Conditions:
Aortic aneurysm, familial thoracic 4 (AAT4). Also called: AORTIC ANEURYSM/AORTIC DISSECTION AND PATENT DUCTUS ARTERIOSUS. Identifiers: MedGen C1851504, MONDO:0007568, OMIM 132900.
Visceral myopathy 2. Identifiers: MedGen C5543466, MONDO:0859157, OMIM 619350.
Megacystis-microcolon-intestinal hypoperistalsis syndrome 2. Identifiers: MedGen C5543476, MONDO:0025708, OMIM 619351.
Connective tissue disorder. Also called: Connective tissue disease. Identifiers: MedGen C0009782, MONDO:0003900.
Familial thoracic aortic aneurysm and aortic dissection (TAAD). Also called: Thoracic aortic aneurysms and dissections. Identifiers: Orphanet 91387, MedGen C4707243, MONDO:0019625.

Allele frequency attached by ClinVar (database versions not stated): ExAC 0.00008; gnomAD exomes 0.00010 and 0.00015; gnomAD 0.00011 and 0.00013; 1000 Genomes Project 30x 0.00016; TOPMed 0.00016; 1000 Genomes Project 0.00020; ESP Exome Variant Server 0.00023.
gnomAD v4.1: 241 of 1,614,004 alleles (0.015%); highest among the groups gnomAD compares: Non-Finnish European, 0.018%; no homozygotes.

Submissions 1 to 15 of 20:

GeneDx
Classification: Uncertain significance. Last evaluated: 2026-08-13. Review status: criteria provided, single submitter. Criteria: GeneDx Variant Classification Process June 2021. Collection method: clinical testing. Allele origin: germline.
Comment: In silico analysis supports that this missense variant has a deleterious effect on protein structure/function; Also known as p.(K1628Q); This variant is associated with the following publications: (PMID: 29907982, 32238909, 20226094, 29543232, 35393538, 35276540, 21529752)

Color Diagnostics, LLC DBA Color Health
Classification: Uncertain significance for Familial thoracic aortic aneurysm and aortic dissection. Last evaluated: 2025-11-21. Review status: criteria provided, single submitter. Criteria: ACMG Guidelines, 2015. Collection method: clinical testing. Allele origin: germline.
Comment: This missense variant replaces lysine with glutamine at codon 1628 of the MYH11 protein. Computational prediction suggests that this variant may have deleterious impact on protein structure and function. To our knowledge, functional studies have not been reported for this variant. This variant has been reported in two unrelated individuals affected with thoracic aortic aneurysm (PMID: 29907982, 29543232), in an individual affected with sudden unexplained death (PMID: 35276540), and in another individual affected with atrioventricular septal defect (PMID: 35393538). This variant has been identified in 241/1614004 chromosomes in the general population by the Genome Aggregation Database (gnomAD). The available evidence is insufficient to determine the role of this variant in disease conclusively. Therefore, this variant is classified as a Variant of Uncertain Significance.

Ambry Genetics
Classification: Uncertain significance for Familial thoracic aortic aneurysm and aortic dissection. Last evaluated: 2025-08-07. Review status: criteria provided, single submitter. Criteria: Ambry Variant Classification Scheme 2023. Collection method: clinical testing. Allele origin: germline.

Blueprint Genetics
Classification: Uncertain significance. Last evaluated: 2024-09-24. Review status: criteria provided, single submitter. Criteria: ACMG Guidelines, 2015. Collection method: clinical testing. Allele origin: germline.

All of Us Research Program, National Institutes of Health
Classification: Uncertain significance for Familial thoracic aortic aneurysm and aortic dissection. Last evaluated: 2024-08-13. Review status: criteria provided, single submitter. Criteria: ACMG Guidelines, 2015. Collection method: clinical testing. Allele origin: germline. Inheritance: Autosomal dominant inheritance. Observed: 45 variant alleles, 45 heterozygotes.
Comment: This missense variant replaces lysine with glutamine at codon 1628 of the MYH11 protein. Computational prediction suggests that this variant may have deleterious impact on protein structure and function (internally defined REVEL score threshold >= 0.7, PMID: 27666373). To our knowledge, functional studies have not been reported for this variant. This variant has been reported in two unrelated individuals affected with thoracic aortic aneurysm (PMID: 29907982, 29543232), in an individual affected with sudden unexplained death (PMID: 35276540), and in another individual affected with atrioventricular septal defect (PMID: 35393538). This variant has also been identified in 29/282846 chromosomes in the general population by the Genome Aggregation Database (gnomAD). The available evidence is insufficient to determine the role of this variant in disease conclusively. Therefore, this variant is classified as a Variant of Uncertain Significance.

This study involves interpretation of variants in research participants for the purpose of population health screening. Participant phenotype was not available at the time of variant classification. Additional details can be found in publication PMID: 35346344, PMCID: PMC8962531

Labcorp Genetics (formerly Invitae), Labcorp
Classification: Uncertain significance for Aortic aneurysm, familial thoracic 4. Last evaluated: 2022-09-19. Review status: criteria provided, single submitter. Criteria: Invitae Variant Classification Sherloc (09022015). Collection method: clinical testing. Allele origin: germline.
Comment: This sequence change replaces lysine, which is basic and polar, with glutamine, which is neutral and polar, at codon 1628 of the MYH11 protein (p.Lys1628Gln). This variant is present in population databases (rs34321232, gnomAD 0.02%). This missense change has been observed in individual(s) with aortic aneurysm (PMID: 29543232, 29907982). ClinVar contains an entry for this variant (Variation ID: 36622). Advanced modeling of protein sequence and biophysical properties (such as structural, functional, and spatial information, amino acid conservation, physicochemical variation, residue mobility, and thermodynamic stability) performed at Invitae indicates that this missense variant is not expected to disrupt MYH11 protein function. In summary, the available evidence is currently insufficient to determine the role of this variant in disease. Therefore, it has been classified as a Variant of Uncertain Significance.

Revvity Omics, Revvity
Classification: Uncertain significance. Last evaluated: 2022-01-16. Review status: criteria provided, single submitter. Criteria: ACMG Guidelines, 2015. Collection method: clinical testing. Allele origin: germline.

Fulgent Genetics
Classification: Uncertain significance for Aortic aneurysm, familial thoracic 4; Visceral myopathy 2; Megacystis-microcolon-intestinal hypoperistalsis syndrome 2. Last evaluated: 2021-10-27. Review status: criteria provided, single submitter. Criteria: ACMG Guidelines, 2015. Collection method: clinical testing. Allele origin: unknown.

Women's Health and Genetics/Laboratory Corporation of America, LabCorp
Classification: Uncertain significance. Last evaluated: 2020-10-19. Review status: criteria provided, single submitter. Criteria: LabCorp Variant Classification Summary - May 2015. Collection method: clinical testing. Allele origin: germline.
Comment: Variant summary: MYH11 c.4882A>C (p.Lys1628Gln) results in a conservative amino acid change located in the Myosin tail domain of the encoded protein sequence. Four of five in-silico tools predict a damaging effect of the variant on protein function. The variant allele was found at a frequency of 9.9e-05 in 251470 control chromosomes. The observed variant frequency is approximately 79.5- fold the estimated maximal expected allele frequency for a pathogenic variant in MYH11 causing Aortopathy phenotype (1.3e-06), strongly suggesting that the variant is benign. c.4882A>C has been reported in the literature in individuals affected with aneurysm and thoracic aortic disease (examples- Weerakkody_2018, Overwater_2018). These reports do not provide unequivocal conclusions about association of the variant with Aortopathy. To our knowledge, no experimental evidence demonstrating an impact on protein function has been reported. Ten other clinical diagnostic laboratories have submitted clinical-significance assessments for this variant to ClinVar after 2014 without evidence for independent evaluation. All laboratories cited the variant as uncertain significance. Based on the evidence outlined above, the variant was classified as VUS-possibly benign.

Cavalleri Lab, Royal College of Surgeons in Ireland
Classification: Uncertain significance for Aortic aneurysm, familial thoracic 4. Last evaluated: 2019-12-11. Review status: criteria provided, single submitter. Criteria: ACMG Guidelines, 2015. Collection method: research. Allele origin: paternal. Inheritance: Autosomal dominant inheritance. Affected: yes.
Comment: ACMG evidence PP2, PP3, PP5

Mendelics
Classification: Uncertain significance for Aortic aneurysm, familial thoracic 4. Last evaluated: 2019-05-28. Review status: criteria provided, single submitter. Criteria: Mendelics Assertion Criteria 2017. Collection method: clinical testing. Allele origin: unknown.

CHEO Genetics Diagnostic Laboratory, Children's Hospital of Eastern Ontario
Classification: Uncertain significance for Familial thoracic aortic aneurysm and aortic dissection. Last evaluated: 2019-02-20. Review status: criteria provided, single submitter. Criteria: ACMG Guidelines, 2015. Collection method: clinical testing. Allele origin: germline.

CeGaT Center for Human Genetics Tuebingen
Classification: Uncertain significance. Last evaluated: 2018-04-01. Review status: criteria provided, single submitter. Criteria: CeGaT Center For Human Genetics Tuebingen Variant Classification Criteria Version 2. Collection method: clinical testing. Allele origin: germline. Affected: yes. Observed: 1 variant allele.

Genome Diagnostics Laboratory, Amsterdam University Medical Center
Classification: Uncertain significance for Aortic aneurysm, familial thoracic 4. Last evaluated: 2017-02-16. Review status: criteria provided, single submitter. Criteria: ACGS Guidelines, 2013. Collection method: clinical testing. Allele origin: germline. Affected: yes. Study: VKGL Data-share Consensus.

Center for Human Genetics, Inc
Classification: Uncertain significance for Connective tissue disorder. Last evaluated: 2016-11-01. Review status: criteria provided, single submitter. Criteria: ACMG Guidelines, 2015. Collection method: clinical testing. Allele origin: germline. Affected: yes.

NM_002474.3(MYH11):c.4861A>C (p.Lys1621Gln)

Genes: MYH11 (myosin heavy chain 11; minus strand), NDE1 (nudE neurodevelopment protein 1; plus strand). Cytogenetic location: 16p13.11.
Variant type: single nucleotide variant.
Coding change: c.4861A>C on transcript NM_002474.3 (MANE Select); coding-DNA position 4861, A replaced by C.
Protein change: p.Lys1621Gln; replaces lysine 1621 with glutamine.
Molecular consequence: missense variant. On other transcripts: intron variant (2).
Genome position (GRCh38, 1-based): chr16:15,720,243, T>G on the plus strand (A>C on the coding strand, the complement: MYH11 is on the minus strand). VCF-style: chr16-15720243-T-G. GRCh37 (hg19) VCF-style: chr16-15814100-T-G.
Other names: p.K1621Q:AAG>CAG; c.4882A>C, p.Lys1628Gln (NM_001040113.2, NM_001040114.2); c.4861A>C, p.Lys1621Gln (NM_022844.3); c.948-3948T>G (NM_001143979.2, NM_017668.3); short protein forms K1628Q, K1621Q.
Identifiers: ClinVar variation 36622 (VCV000036622.81), dbSNP rs34321232, ClinGen allele CA214168.